The following is an entry in ClinVar:

ClinVar aggregate classification (germline): Likely benign (1 of 4 stars; one submission).

Submission:

Women's Health and Genetics/Laboratory Corporation of America, LabCorp
Classification: Likely benign. Last evaluated: 2024-11-26. Review status: criteria provided, single submitter. Criteria: LabCorp Variant Classification Summary - May 2015. Collection method: clinical testing. Allele origin: germline.
Comment: Variant summary: CBS c.1552+11C>G alters a non-conserved nucleotide located at a position not widely known to affect splicing. Consensus agreement among computation tools predict no significant impact on normal splicing. However, these predictions have yet to be confirmed by functional studies. The variant was absent in 155126 control chromosomes. The available data on variant occurrences in the general population are insufficient to allow any conclusion about variant significance. To our knowledge, no occurrence of c.1552+11C>G in individuals affected with Homocystinuria and no experimental evidence demonstrating its impact on protein function have been reported. No submitters have cited clinical-significance assessments for this variant to ClinVar. Based on the evidence outlined above, the variant was classified as likely benign.

NM_000071.3(CBS):c.1552+11C>G

Gene: CBS (cystathionine beta-synthase; minus strand). Cytogenetic location: 21q22.3.
Variant type: single nucleotide variant.
Coding change: c.1552+11C>G on transcript NM_000071.3 (MANE Select); 11 bases into the intron after coding-DNA position 1552, C replaced by G.
Molecular consequence: intron variant.
Genome position (GRCh38, 1-based): chr21:43,056,792, G>C on the plus strand (C>G on the coding strand, the complement: CBS is on the minus strand). VCF-style: chr21-43056792-G-C. GRCh37 (hg19) VCF-style: chr21-44476902-G-C.
Other names: c.1552+11C>G (NM_001320298.2, NM_001178009.3, NM_001178008.3); c.1237+11C>G (NM_001321072.1).
Identifiers: ClinVar variation 3629554 (VCV003629554.2).